The following is an entry in ClinVar:

NM_170707.4(LMNA):c.914A>G (p.Gln305Arg)

Gene: LMNA (lamin A/C; plus strand). Cytogenetic location: 1q22.
Variant type: single nucleotide variant.
Coding change: c.914A>G on transcript NM_170707.4 (MANE Select); coding-DNA position 914, A replaced by G.
Protein change: p.Gln305Arg; replaces glutamine 305 with arginine.
Molecular consequence: missense variant.
Genome position (GRCh38, 1-based): chr1:156,135,290, A>G. VCF-style: chr1-156135290-A-G. GRCh37 (hg19) VCF-style: chr1-156105081-A-G.
Other names: c.250A>G, p.Ser84Gly (NM_001407001.1, NM_001406994.1, NM_001406999.1 and 1 more transcripts); c.356A>G, p.Gln119Arg (NM_001407002.1, NM_001407003.1, NM_001406993.1 and 4 more transcripts); c.914A>G, p.Gln305Arg (NM_005572.4, NM_170708.4, NM_001406991.1 and 6 more transcripts); c.578A>G, p.Gln193Arg (NM_001406998.1, NM_001257374.3, NM_001406989.1); c.671A>G, p.Gln224Arg (NM_001282624.2, NM_001406986.1, NM_001406987.1); c.617A>G, p.Gln206Arg (NM_001406988.1); short protein forms Q119R, Q193R, Q224R, Q305R, Q206R, S84G.
Identifiers: ClinVar variation 3699921 (VCV003699921.2).
Genomic context (GRCh38, chr1:156,135,290, plus strand): 5'-TGGGGGCTGCCCACGAGGAGCTGCAGCAGTCGCGCATCCGCATCGACAGCCTCTCTGCCC[A>G]GCTCAGCCAGCTCCAGAAGCAGGTGATACCCCACCTCACCCCTCTCTCCAGGGGCCTAGA-3'
Protein context (NP_733821.1, residues 295-315): SRIRIDSLSA[Gln305Arg]LSQLQKQLAA

ClinVar aggregate classification (germline): Uncertain significance (1 of 4 stars; one submission).

Conditions:
Charcot-Marie-Tooth disease type 2. Also called: Charcot-Marie-Tooth type 2. Identifiers: Orphanet 64746, MedGen C0270914, MONDO:0018993.

gnomAD v4.1: 1 of 1,609,840 alleles (0.000062%); highest among the groups gnomAD compares: Non-Finnish European, 0.000085%; no homozygotes.

Submission:

Labcorp Genetics (formerly Invitae), Labcorp
Classification: Uncertain significance for Charcot-Marie-Tooth disease type 2. Last evaluated: 2024-07-30. Review status: criteria provided, single submitter. Criteria: Invitae Variant Classification Sherloc (09022015). Collection method: clinical testing. Allele origin: germline.
Comment: This sequence change replaces glutamine, which is neutral and polar, with arginine, which is basic and polar, at codon 305 of the LMNA protein (p.Gln305Arg). This variant is not present in population databases (gnomAD no frequency). This variant has not been reported in the literature in individuals affected with LMNA-related conditions. Advanced modeling of protein sequence and biophysical properties (such as structural, functional, and spatial information, amino acid conservation, physicochemical variation, residue mobility, and thermodynamic stability) performed at Invitae indicates that this missense variant is expected to disrupt LMNA protein function with a positive predictive value of 95%. In summary, the available evidence is currently insufficient to determine the role of this variant in disease. Therefore, it has been classified as a Variant of Uncertain Significance.